The following is an entry in ClinVar:

ClinVar aggregate classification (germline): Uncertain significance (1 of 4 stars; one submission).

gnomAD v4.1: 1 of 1,209,729 alleles (0.000083%); highest among the groups gnomAD compares: African/African-American, 0.0017%; no homozygotes.

Submission:

GeneDx
Classification: Uncertain significance. Last evaluated: 2026-06-24. Review status: criteria provided, single submitter. Criteria: GeneDx Variant Classification Process June 2021. Collection method: clinical testing. Allele origin: germline.
Comment: Reported in association with autism spectrum disorder from a large autism dataset, but detailed clinical information and familial segregation information were not provided (PMID: 40475291); Published functional studies suggest a damaging effect: reduced protein expression, increased retention in the endoplasmic reticulum, and impaired localization to the cell membrane relative to wild type cells (PMID: 40475291); In silico analysis supports that this missense variant has a deleterious effect on protein structure/function; Not observed at significant frequency in large population cohorts (gnomAD); This variant is associated with the following publications: (PMID: 40475291)

NM_173495.3(PTCHD1):c.224C>T (p.Pro75Leu)

Gene: PTCHD1 (patched domain containing 1; plus strand). Cytogenetic location: Xp22.11.
Variant type: single nucleotide variant.
Coding change: c.224C>T on transcript NM_173495.3 (MANE Select); coding-DNA position 224, C replaced by T.
Protein change: p.Pro75Leu; replaces proline 75 with leucine.
Molecular consequence: missense variant.
Genome position (GRCh38, 1-based): chrX:23,335,099, C>T. VCF-style: chrX-23335099-C-T. GRCh37 (hg19) VCF-style: chrX-23353216-C-T.
Other names: short protein forms P75L.
Identifiers: ClinVar variation 4527236 (VCV004527236.2).
Genomic context (GRCh38, chrX:23,335,099, plus strand): 5'-TGCTGGCGCCCCAGCACAGCCTGGCCAAGATCGAGCGCAACCTCGTTAACAGCCTCTTCC[C>T]GGTCAACCGCTCCAAGCACCGTCTCTACTCGGACCTGCAGACCCCCGGGCGCTACGGCCG-3'
Protein context (NP_775766.2, residues 65-85): IERNLVNSLF[Pro75Leu]VNRSKHRLYS